The following is an entry in ClinVar:

ClinVar aggregate classification (germline): Uncertain significance (1 of 4 stars; one submission).

Allele frequency attached by ClinVar (database versions not stated): ExAC 0.00004; TOPMed 0.00008; gnomAD 0.00009; gnomAD exomes 0.00012; ESP Exome Variant Server 0.00015; 1000 Genomes Project 30x 0.00016; 1000 Genomes Project 0.00020.
gnomAD v4.1: 192 of 1,614,106 alleles (0.012%); highest among the groups gnomAD compares: Non-Finnish European, 0.015%; no homozygotes.

Submission:

Labcorp Genetics (formerly Invitae), Labcorp
Classification: Uncertain significance. Last evaluated: 2025-12-15. Review status: criteria provided, single submitter. Criteria: Invitae Variant Classification Sherloc (09022015). Collection method: clinical testing. Allele origin: germline.
Comment: This sequence change replaces histidine, which is basic and polar, with tyrosine, which is neutral and polar, at codon 434 of the TET2 protein (p.His434Tyr). This variant is present in population databases (rs142547708, gnomAD 0.009%). This variant has not been reported in the literature in individuals affected with TET2-related conditions. ClinVar contains an entry for this variant (Variation ID: 2194797). An algorithm developed to predict the effect of missense changes on protein structure and function (PolyPhen-2) suggests that this variant is likely to be disruptive. In summary, the available evidence is currently insufficient to determine the role of this variant in disease. Therefore, it has been classified as a Variant of Uncertain Significance.

NM_001127208.3(TET2):c.1300C>T (p.His434Tyr)

Genes: TET2-AS1 (TET2 antisense RNA 1; minus strand), TET2 (tet methylcytosine dioxygenase 2; plus strand). Cytogenetic location: 4q24.
Variant type: single nucleotide variant.
Coding change: c.1300C>T on transcript NM_001127208.3 (MANE Select); coding-DNA position 1300, C replaced by T.
Protein change: p.His434Tyr; replaces histidine 434 with tyrosine.
Molecular consequence: missense variant.
Genome position (GRCh38, 1-based): chr4:105,235,242, C>T. VCF-style: chr4-105235242-C-T. GRCh37 (hg19) VCF-style: chr4-106156399-C-T.
Other names: c.1300C>T, p.His434Tyr (NM_017628.4); short protein forms H434Y.
Identifiers: ClinVar variation 2194797 (VCV002194797.3), dbSNP rs142547708, ClinGen allele CA3031655.